The following is an entry in ClinVar:

NM_004448.4(ERBB2):c.1460G>T (p.Arg487Leu)

Gene: ERBB2 (erb-b2 receptor tyrosine kinase 2; plus strand). Cytogenetic location: 17q12.
Variant type: single nucleotide variant.
Coding change: c.1460G>T on transcript NM_004448.4 (MANE Select); coding-DNA position 1460, G replaced by T.
Protein change: p.Arg487Leu; replaces arginine 487 with leucine.
Molecular consequence: missense variant. On other transcripts: non-coding transcript variant (1), intron variant (1).
Genome position (GRCh38, 1-based): chr17:39,715,886, G>T. VCF-style: chr17-39715886-G-T. GRCh37 (hg19) VCF-style: chr17-37872139-G-T.
Other names: c.1460G>T, p.Arg487Leu (NM_001382794.1, NM_001382795.1, NM_001382796.1 and 12 more transcripts); c.1280G>T, p.Arg427Leu (NM_001382799.1); c.1202G>T, p.Arg401Leu (NM_001382802.1); c.1370G>T, p.Arg457Leu (NM_001005862.3, NM_001289938.2, NM_001382782.1 and 1 more transcripts); c.1415G>T, p.Arg472Leu (NM_001289936.2); c.1577G>T, p.Arg526Leu (NM_001382784.1, NM_001382786.1); c.1535G>T, p.Arg512Leu (NM_001382787.1); c.1481G>T, p.Arg494Leu (NM_001382789.1); and 3 more; short protein forms R457L, R427L, R472L, R487L, R526L, R211L, R494L, R401L.
Identifiers: ClinVar variation 3686197 (VCV003686197.2).

ClinVar aggregate classification (germline): Uncertain significance (1 of 4 stars; one submission).

Submission:

Labcorp Genetics (formerly Invitae), Labcorp
Classification: Uncertain significance. Last evaluated: 2024-08-28. Review status: criteria provided, single submitter. Criteria: Invitae Variant Classification Sherloc (09022015). Collection method: clinical testing. Allele origin: germline.
Comment: This sequence change replaces arginine, which is basic and polar, with leucine, which is neutral and non-polar, at codon 487 of the ERBB2 protein (p.Arg487Leu). This variant is not present in population databases (gnomAD no frequency). This variant has not been reported in the literature in individuals affected with ERBB2-related conditions. Invitae Evidence Modeling of protein sequence and biophysical properties (such as structural, functional, and spatial information, amino acid conservation, physicochemical variation, residue mobility, and thermodynamic stability) indicates that this missense variant is not expected to disrupt ERBB2 protein function with a negative predictive value of 80%. In summary, the available evidence is currently insufficient to determine the role of this variant in disease. Therefore, it has been classified as a Variant of Uncertain Significance.